The following is an entry in ClinVar:

NM_001110556.2(FLNA):c.1683C>G (p.Ile561Met)

Gene: FLNA (filamin A; minus strand). Cytogenetic location: Xq28.
Variant type: single nucleotide variant.
Coding change: c.1683C>G on transcript NM_001110556.2 (MANE Select); coding-DNA position 1683, C replaced by G.
Protein change: p.Ile561Met; replaces isoleucine 561 with methionine.
Molecular consequence: missense variant.
Genome position (GRCh38, 1-based): chrX:154,365,144, G>C on the plus strand (C>G on the coding strand, the complement: FLNA is on the minus strand). VCF-style: chrX-154365144-G-C. GRCh37 (hg19) VCF-style: chrX-153593512-G-C.
Other names: c.1683C>G, p.Ile561Met (NM_001456.4); short protein forms I561M.
Identifiers: ClinVar variation 4789599 (VCV004789599.1).

ClinVar aggregate classification (germline): Uncertain significance (1 of 4 stars; one submission).

Conditions:
Heterotopia, periventricular, X-linked dominant (PVNH1). Also called: PERIVENTRICULAR NODULAR HETEROTOPIA 4; HETEROTOPIA, PERIVENTRICULAR, 1; PERIVENTRICULAR NODULAR HETEROTOPIA 1; X-linked periventricular heterotopia. Identifiers: Orphanet 2149, Orphanet 82004, MedGen C1848213, MONDO:0010233, OMIM 300049.
Oto-palato-digital syndrome, type II (OPD2). Also called: Otopalatodigital Syndrome, Type II; FACIOPALATOOSSEOUS SYNDROME; OPD II SYNDROME; Otopalatodigital Syndrome Type 2 (FLNA-OPD2). Identifiers: Orphanet 669, Orphanet 90652, MedGen C1844696, MONDO:0010571, OMIM 304120.
Melnick-Needles syndrome (MNS). Also called: MELNICK-NEEDLES OSTEODYSPLASTY; OSTEODYSPLASTY OF MELNICK AND NEEDLES; Melnick-Needles Syndrome (FLNA-MNS). Identifiers: Orphanet 2484, MedGen C0025237, MONDO:0010650, OMIM 309350.
Frontometaphyseal dysplasia (FMD1). Identifiers: Orphanet 1826, MedGen C0265293, MONDO:0015942.

Submission:

Labcorp Genetics (formerly Invitae), Labcorp
Classification: Uncertain significance for Oto-palato-digital syndrome, type II; Heterotopia, periventricular, X-linked dominant; Frontometaphyseal dysplasia; Melnick-Needles syndrome. Last evaluated: 2025-04-09. Review status: criteria provided, single submitter. Criteria: Invitae Variant Classification Sherloc (09022015). Collection method: clinical testing. Allele origin: germline.
Comment: This sequence change replaces isoleucine, which is neutral and non-polar, with methionine, which is neutral and non-polar, at codon 561 of the FLNA protein (p.Ile561Met). This variant is not present in population databases (gnomAD no frequency). This variant has not been reported in the literature in individuals affected with FLNA-related conditions. Invitae Evidence Modeling of protein sequence and biophysical properties (such as structural, functional, and spatial information, amino acid conservation, physicochemical variation, residue mobility, and thermodynamic stability) indicates that this missense variant is not expected to disrupt FLNA protein function with a negative predictive value of 95%. In summary, the available evidence is currently insufficient to determine the role of this variant in disease. Therefore, it has been classified as a Variant of Uncertain Significance.